The following is an entry in ClinVar:

ClinVar aggregate classification (germline): Pathogenic (1 of 4 stars; one submission).

Allele frequency attached by ClinVar (database versions not stated): gnomAD exomes below 0.00001.
gnomAD v4.1: 8 of 1,613,986 alleles (0.0005%); highest among the groups gnomAD compares: Non-Finnish European, 0.00059%; no homozygotes.

Submission:

Labcorp Genetics (formerly Invitae), Labcorp
Classification: Pathogenic. Last evaluated: 2022-06-22. Review status: criteria provided, single submitter. Criteria: Invitae Variant Classification Sherloc (09022015). Collection method: clinical testing. Allele origin: germline.
Comment: This variant has not been reported in the literature in individuals affected with PRDM5-related conditions. This variant is present in population databases (no rsID available, gnomAD 0.003%). This sequence change creates a premature translational stop signal (p.Arg558*) in the PRDM5 gene. It is expected to result in an absent or disrupted protein product. Loss-of-function variants in PRDM5 are known to be pathogenic (PMID: 21664999, 26395458). For these reasons, this variant has been classified as Pathogenic.

Literature cited by the submitters: PubMed 21664999; PubMed 26395458.

NM_018699.4(PRDM5):c.1672C>T (p.Arg558Ter)

Gene: PRDM5 (PR/SET domain 5; minus strand). Cytogenetic location: 4q27.
Variant type: single nucleotide variant.
Coding change: c.1672C>T on transcript NM_018699.4 (MANE Select); coding-DNA position 1672, C replaced by T.
Protein change: p.Arg558Ter; replaces arginine 558 with a stop codon.
Molecular consequence: nonsense. On other transcripts: missense variant (1), intron variant (1).
Genome position (GRCh38, 1-based): chr4:120,710,365, G>A on the plus strand (C>T on the coding strand, the complement: PRDM5 is on the minus strand). VCF-style: chr4-120710365-G-A. GRCh37 (hg19) VCF-style: chr4-121631520-G-A.
Other names: c.1579C>T, p.Arg527Ter (NM_001300823.2); c.1493C>T, p.Ala498Val (NM_001300824.2); c.1705C>T, p.Arg569Ter (NM_001379104.1); c.1531-15090C>T (NM_001379106.1); short protein forms A498V, R558*, R569*, R527*.
Identifiers: ClinVar variation 1899424 (VCV001899424.5), dbSNP rs1490743354, ClinGen allele CA358206908.